The following is an entry in ClinVar:

ClinVar aggregate classification (germline): Uncertain significance (1 of 4 stars; one submission).

Conditions:
Dilated cardiomyopathy 1DD (CMD1DD). Identifiers: Orphanet 154, MedGen C2750995, MONDO:0013168, OMIM 613172.

Submission:

Labcorp Genetics (formerly Invitae), Labcorp
Classification: Uncertain significance for Dilated cardiomyopathy 1DD. Last evaluated: 2023-12-30. Review status: criteria provided, single submitter. Criteria: Invitae Variant Classification Sherloc (09022015). Collection method: clinical testing. Allele origin: germline.
Comment: This sequence change creates a premature translational stop signal (p.Tyr1162Ilefs*17) in the RBM20 gene. While this is not anticipated to result in nonsense mediated decay, it is expected to disrupt the last 66 amino acid(s) of the RBM20 protein. This variant is not present in population databases (gnomAD no frequency). This variant has not been reported in the literature in individuals affected with RBM20-related conditions. Experimental studies and prediction algorithms are not available or were not evaluated, and the functional significance of this variant is currently unknown. In summary, the available evidence is currently insufficient to determine the role of this variant in disease. Therefore, it has been classified as a Variant of Uncertain Significance.

NM_001134363.3(RBM20):c.3480del (p.Tyr1162fs)

Gene: RBM20 (RNA binding motif protein 20; plus strand). Cytogenetic location: 10q25.2.
Variant type: Deletion.
Coding change: c.3480del on transcript NM_001134363.3 (MANE Select); coding-DNA position 3480, one base deleted (C; older notation c.3480delC).
Protein change: p.Tyr1162fs; shifts the reading frame from tyrosine 1162.
Molecular consequence: frameshift variant.
Genome position (GRCh38, 1-based): chr10:110,831,089, C deleted. VCF-style (leftmost placement, unchanged base first): chr10-110831088-GC-G. GRCh37 (hg19) VCF-style: chr10-112590846-GC-G.
Other names: short protein forms Y1162fs.
Identifiers: ClinVar variation 2695383 (VCV002695383.3), dbSNP rs2493514792, ClinGen allele CA2697558790.
Genomic context (GRCh38, chr10:110,831,088, plus strand): 5'-AACCCTGCGTGTCTATCCCCCATCCTTTCCCAGGGGTGGAGTTCGTGGTTCCCAGGACTG[GC>G]TTTTATTGCAAGCTGTGTGGGCTGTTCTACACGAGCGAGGAGACAGCAAAGATGAGCCAC-3'